The following is an entry in ClinVar:

ClinVar aggregate classification (germline): Uncertain significance. Review status: criteria provided, multiple submitters, no conflicts (2 of 4 stars). 3 submissions from 3 submitters: Uncertain significance (3). Last evaluated 2025-11-24.

Conditions:
Inborn genetic diseases. Identifiers: MedGen C0950123, MeSH D030342.
Deafness-lymphedema-leukemia syndrome. Also called: Emberger syndrome; Lymphedema, primary, with myelodysplasia. Identifiers: Orphanet 3226, MedGen C3279664, MONDO:0013540, OMIM 614038.
Monocytopenia with susceptibility to infections. Also called: MONOCYTOPENIA AND MYCOBACTERIAL INFECTION SYNDROME; MONOCYTOPENIA WITH SUSCEPTIBILITY TO MYCOBACTERIAL, FUNGAL, AND PAPILLOMAVIRUS INFECTIONS AND MYELODYSPLASIA; COMBINED IMMUNODEFICIENCY WITH SUSCEPTIBILITY TO MYCOBACTERIAL, VIRAL, AND FUNGAL INFECTIONS; Dendritic cell, monocyte, B lymphocyte, and natural killer lymphocyte deficiency; IMMUNODEFICIENCY 21; GATA2 DEFICIENCY. Identifiers: Orphanet 228423, MedGen C3280030, MONDO:0013607, OMIM 614172.

Allele frequency attached by ClinVar (database versions not stated): TOPMed below 0.00001; gnomAD exomes 0.00002.
gnomAD v4.1: 33 of 1,601,704 alleles (0.0021%); highest among the groups gnomAD compares: Non-Finnish European, 0.0028%; no homozygotes.

Submissions (3):

Ambry Genetics
Classification: Uncertain significance for Inborn genetic diseases. Last evaluated: 2025-11-24. Review status: criteria provided, single submitter. Criteria: Ambry Variant Classification Scheme 2023. Collection method: clinical testing. Allele origin: germline.
Comment: The p.G81A variant (also known as c.242G>C), located in coding exon 2 of the GATA2 gene, results from a G to C substitution at nucleotide position 242. The glycine at codon 81 is replaced by alanine, an amino acid with similar properties. This amino acid position is highly conserved in available vertebrate species. In addition, the in silico prediction for this alteration is inconclusive. Based on the available evidence, the clinical significance of this variant remains unclear.

Labcorp Genetics (formerly Invitae), Labcorp
Classification: Uncertain significance for Monocytopenia with susceptibility to infections; Deafness-lymphedema-leukemia syndrome. Last evaluated: 2025-11-24. Review status: criteria provided, single submitter. Criteria: Invitae Variant Classification Sherloc (09022015). Collection method: clinical testing. Allele origin: germline.
Comment: This sequence change replaces glycine, which is neutral and non-polar, with alanine, which is neutral and non-polar, at codon 81 of the GATA2 protein (p.Gly81Ala). This variant is not present in population databases (gnomAD no frequency). This variant has not been reported in the literature in individuals affected with GATA2-related conditions. ClinVar contains an entry for this variant (Variation ID: 404070). Invitae Evidence Modeling of protein sequence and biophysical properties (such as structural, functional, and spatial information, amino acid conservation, physicochemical variation, residue mobility, and thermodynamic stability) has been performed for this missense variant. However, the output from this modeling did not meet the statistical confidence thresholds required to predict the impact of this variant on GATA2 protein function. In summary, the available evidence is currently insufficient to determine the role of this variant in disease. Therefore, it has been classified as a Variant of Uncertain Significance.

ARUP Laboratories, Molecular Genetics and Genomics, ARUP Laboratories
Classification: Uncertain significance. Last evaluated: 2025-02-11. Review status: criteria provided, single submitter. Criteria: ARUP Molecular Germline Variant Investigation Process 2024. Collection method: clinical testing. Allele origin: germline.
Comment: The GATA2 c.242G>C; p.Gly81Ala variant (rs1060500083), to our knowledge, is not reported in the medical literature but is reported in ClinVar (Variation ID: 404070). This variant is also absent from the Genome Aggregation Database (v2.1.1), indicating it is not a common polymorphism. Computational analyses are uncertain whether this variant is neutral or deleterious (REVEL: 0.7). Due to limited information, the clinical significance of this variant is uncertain at this time.

NM_032638.5(GATA2):c.242G>C (p.Gly81Ala)

Gene: GATA2 (GATA binding protein 2; minus strand). Cytogenetic location: 3q21.3.
Variant type: single nucleotide variant.
Coding change: c.242G>C on transcript NM_032638.5 (MANE Select); coding-DNA position 242, G replaced by C.
Protein change: p.Gly81Ala; replaces glycine 81 with alanine.
Molecular consequence: missense variant.
Genome position (GRCh38, 1-based): chr3:128,486,356, C>G on the plus strand (G>C on the coding strand, the complement: GATA2 is on the minus strand). VCF-style: chr3-128486356-C-G. GRCh37 (hg19) VCF-style: chr3-128205199-C-G.
Other names: c.242G>C, p.Gly81Ala (NM_001145661.2, NM_001145662.1); short protein forms G81A.
Identifiers: ClinVar variation 404070 (VCV000404070.11), dbSNP rs1060500083, ClinGen allele CA16611184.